The following is an entry in ClinVar:

ClinVar aggregate classification (germline): Likely benign. Review status: criteria provided, multiple submitters, no conflicts (2 of 4 stars). 2 submissions from 2 submitters: Likely benign (2). Last evaluated 2025-11-01.

Conditions:
Familial hemophagocytic lymphohistiocytosis 4 (FHL4). Also called: STX11-Related Familial Hemophagocytic Lymphohistiocytosis (STX11-fHLH). Identifiers: Orphanet 540, MedGen C1863728, MONDO:0011336, OMIM 603552.

Allele frequency attached by ClinVar (database versions not stated): gnomAD exomes 0.00002; TOPMed 0.00002; ExAC 0.00003; gnomAD 0.00003.
gnomAD v4.1: 18 of 1,612,106 alleles (0.0011%); highest among the groups gnomAD compares: Admixed American, 0.017%; no homozygotes.

Submissions (2):

CeGaT Center for Human Genetics Tuebingen
Classification: Likely benign. Last evaluated: 2025-11-01. Review status: criteria provided, single submitter. Criteria: CeGaT Center For Human Genetics Tuebingen Variant Classification Criteria Version 2. Collection method: clinical testing. Allele origin: germline. Affected: yes. Observed: 1 variant allele.
Comment: STX11: BP4, BP7

Labcorp Genetics (formerly Invitae), Labcorp
Classification: Likely benign for Familial hemophagocytic lymphohistiocytosis 4. Last evaluated: 2024-10-30. Review status: criteria provided, single submitter. Criteria: Invitae Variant Classification Sherloc (09022015). Collection method: clinical testing. Allele origin: germline.

NM_003764.4(STX11):c.678G>A (p.Glu226=)

Gene: STX11 (syntaxin 11; plus strand). Cytogenetic location: 6q24.2.
Variant type: single nucleotide variant.
Coding change: c.678G>A on transcript NM_003764.4 (MANE Select); coding-DNA position 678, G replaced by A.
Protein change: p.Glu226=; no amino-acid change (glutamic acid 226 retained).
Molecular consequence: synonymous variant.
Genome position (GRCh38, 1-based): chr6:144,187,305, G>A. VCF-style: chr6-144187305-G-A. GRCh37 (hg19) VCF-style: chr6-144508442-G-A.
Identifiers: ClinVar variation 3015562 (VCV003015562.9), dbSNP rs764375567, ClinGen allele CA4031762.